The following is an entry in ClinVar:

NM_015409.5(EP400):c.3619C>A (p.Arg1207Ser)

Gene: EP400 (E1A binding protein p400; plus strand). Cytogenetic location: 12q24.33.
Variant type: single nucleotide variant.
Coding change: c.3619C>A on transcript NM_015409.5 (MANE Select); coding-DNA position 3619, C replaced by A.
Protein change: p.Arg1207Ser; replaces arginine 1207 with serine.
Molecular consequence: missense variant.
Genome position (GRCh38, 1-based): chr12:132,013,497, C>A. VCF-style: chr12-132013497-C-A. GRCh37 (hg19) VCF-style: chr12-132498042-C-A.
Other names: short protein forms R1207S.
Identifiers: ClinVar variation 4996824 (VCV004996824.1).

ClinVar aggregate classification (germline): Uncertain significance (1 of 4 stars; one submission).

Conditions:
EP400-related disorder. Also called: EP400-related condition.

Submission:

PreventionGenetics, part of Exact Sciences
Classification: Uncertain significance for EP400-related condition. Last evaluated: 2025-03-07. Review status: criteria provided, single submitter. Criteria: ACMG Guidelines, 2015. Collection method: clinical testing. Allele origin: germline.
Comment: The EP400 c.3619C>A variant is predicted to result in the amino acid substitution p.Arg1207Ser. To our knowledge, this variant has not been reported in the literature or in a large population database (gnomAD), indicating this variant is rare. At this time, the clinical significance of this variant is uncertain due to the absence of conclusive functional and genetic evidence.